The following is an entry in ClinVar:

NM_032043.3(BRIP1):c.2098-8C>T

Gene: BRIP1 (BRCA1 interacting DNA helicase 1; minus strand). Cytogenetic location: 17q23.2.
Variant type: single nucleotide variant.
Coding change: c.2098-8C>T on transcript NM_032043.3 (MANE Select); 8 bases into the intron before coding-DNA position 2098, C replaced by T.
Molecular consequence: intron variant.
Genome position (GRCh38, 1-based): chr17:61,744,599, G>A on the plus strand (C>T on the coding strand, the complement: BRIP1 is on the minus strand). VCF-style: chr17-61744599-G-A. GRCh37 (hg19) VCF-style: chr17-59821960-G-A.
Identifiers: ClinVar variation 797264 (VCV000797264.11), dbSNP rs917048033, ClinGen allele CA292269305.
Genomic context (GRCh38, chr17:61,744,599, plus strand): 5'-AGATTATGCCATAAACCAGTAGAGAGCCAACGTTCTTTTAATTTTTCTAATAACTAAAGA[G>A]GGGAAAGAAAAAAATGATTTTTTGTGTGTCTAGCTAAACAAACTTAACTTCATTTGTTTA-3'

ClinVar aggregate classification (germline): Likely benign. Review status: criteria provided, multiple submitters, no conflicts (2 of 4 stars). 3 submissions from 3 submitters: Likely benign (3). Last evaluated 2024-09-03.

Conditions:
Familial cancer of breast. Also called: BREAST CANCER, FAMILIAL; Hereditary breast cancer; hereditary breast carcinoma. Identifiers: Orphanet 227535, MedGen C0346153, MONDO:0016419, OMIM 114480. Disease mechanism: loss of function.
Fanconi anemia complementation group J. Also called: BRIP1-Related Fanconi Anemia. Identifiers: Orphanet 84, MedGen C1836860, MONDO:0012187, OMIM 609054.

Allele frequency attached by ClinVar (database versions not stated): gnomAD exomes below 0.00001.
gnomAD v4.1: 1 of 1,611,606 alleles (0.000062%); highest among the groups gnomAD compares: Non-Finnish European, 0.000085%; no homozygotes.

Submissions (3):

Myriad Genetics, Inc.
Classification: Likely benign for Familial cancer of breast. Last evaluated: 2024-09-03. Review status: criteria provided, single submitter. Criteria: Myriad Autosomal Dominant, Autosomal Recessive and X-Linked Classification Criteria (2023). Collection method: clinical testing. Allele origin: unknown.
Comment: This variant is considered likely benign. This variant is intronic and is not expected to impact mRNA splicing.

Labcorp Genetics (formerly Invitae), Labcorp
Classification: Likely benign for Familial cancer of breast; Fanconi anemia complementation group J. Last evaluated: 2023-07-30. Review status: criteria provided, single submitter. Criteria: Invitae Variant Classification Sherloc (09022015). Collection method: clinical testing. Allele origin: germline.

Mendelics
Classification: Likely benign for Familial cancer of breast. Last evaluated: 2019-05-28. Review status: criteria provided, single submitter. Criteria: Mendelics Assertion Criteria 2017. Collection method: clinical testing. Allele origin: unknown.